The following is an entry in ClinVar:

ClinVar aggregate classification (germline): Uncertain significance (1 of 4 stars; one submission).

Allele frequency attached by ClinVar (database versions not stated): gnomAD exomes below 0.00001; TOPMed below 0.00001; gnomAD 0.00001.
gnomAD v4.1: 5 of 1,613,932 alleles (0.00031%); highest among the groups gnomAD compares: Non-Finnish European, 0.00042%; no homozygotes.

Submission:

CeGaT Center for Human Genetics Tuebingen
Classification: Uncertain significance. Last evaluated: 2023-04-01. Review status: criteria provided, single submitter. Criteria: CeGaT Center For Human Genetics Tuebingen Variant Classification Criteria Version 2. Collection method: clinical testing. Allele origin: germline. Affected: yes. Observed: 1 variant allele.
Comment: VAV1: PP2

NM_005428.4(VAV1):c.1876G>C (p.Glu626Gln)

Gene: VAV1 (vav guanine nucleotide exchange factor 1; plus strand). Cytogenetic location: 19p13.3.
Variant type: single nucleotide variant.
Coding change: c.1876G>C on transcript NM_005428.4 (MANE Select); coding-DNA position 1876, G replaced by C.
Protein change: p.Glu626Gln; replaces glutamic acid 626 with glutamine.
Molecular consequence: missense variant.
Genome position (GRCh38, 1-based): chr19:6,836,530, G>C. VCF-style: chr19-6836530-G-C. GRCh37 (hg19) VCF-style: chr19-6836541-G-C.
Other names: c.1876G>C, p.Glu626Gln (NM_001258206.2); c.1780G>C, p.Glu594Gln (NM_001258207.2); short protein forms E594Q, E626Q.
Identifiers: ClinVar variation 2649146 (VCV002649146.24), dbSNP rs1476236857, ClinGen allele CA403631779.